The following is an entry in ClinVar:

NM_006940.6(SOX5):c.-5C>G

Gene: SOX5 (SRY-box transcription factor 5; minus strand). Cytogenetic location: 12p12.1.
Variant type: single nucleotide variant.
Coding change: c.-5C>G on transcript NM_006940.6 (MANE Select); 5 bases upstream of the start codon, C replaced by G.
Molecular consequence: 5 prime UTR variant. On other transcripts: intron variant (3).
Genome position (GRCh38, 1-based): chr12:23,949,606, G>C on the plus strand (C>G on the coding strand, the complement: SOX5 is on the minus strand). VCF-style: chr12-23949606-G-C. GRCh37 (hg19) VCF-style: chr12-24102540-G-C.
Other names: c.8+1263C>G (NM_001261415.3); c.-5C>G (NM_001330785.2); c.-1-53582C>G (NM_152989.5, NM_001261414.3).
Identifiers: ClinVar variation 2642789 (VCV002642789.24), dbSNP rs374784200, ClinGen allele CA6484485.

ClinVar aggregate classification (germline): Likely benign (1 of 4 stars; one submission).

Allele frequency attached by ClinVar (database versions not stated): ESP Exome Variant Server 0.00008; gnomAD exomes 0.00031; gnomAD 0.00034; ExAC 0.00068; 1000 Genomes Project 30x 0.00109; 1000 Genomes Project 0.00140.
gnomAD v4.1: 508 of 1,613,744 alleles (0.031%); highest among the groups gnomAD compares: South Asian, 0.35%; 5 homozygotes.

Submission:

CeGaT Center for Human Genetics Tuebingen
Classification: Likely benign. Last evaluated: 2026-04-01. Review status: criteria provided, single submitter. Criteria: CeGaT Center For Human Genetics Tuebingen Variant Classification Criteria Version 2. Collection method: clinical testing. Allele origin: germline. Affected: yes. Observed: 3 variant alleles.
Comment: SOX5: BP4, BS1